The following is an entry in ClinVar:

ClinVar aggregate classification (germline): Uncertain significance (1 of 4 stars; one submission).

gnomAD v4.1: 3 of 1,210,263 alleles (0.00025%); highest among the groups gnomAD compares: Non-Finnish European, 0.00034%; no homozygotes.

Submission:

CeGaT Center for Human Genetics Tuebingen
Classification: Uncertain significance. Last evaluated: 2025-06-01. Review status: criteria provided, single submitter. Criteria: CeGaT Center For Human Genetics Tuebingen Variant Classification Criteria Version 2. Collection method: clinical testing. Allele origin: germline. Affected: yes. Observed: 1 variant allele.
Comment: GRIA3: PM2, PP2

NM_007325.5(GRIA3):c.1630G>A (p.Val544Ile)

Gene: GRIA3 (glutamate ionotropic receptor AMPA type subunit 3; plus strand). Cytogenetic location: Xq25.
Variant type: single nucleotide variant.
Coding change: c.1630G>A on transcript NM_007325.5 (MANE Select); coding-DNA position 1630, G replaced by A.
Protein change: p.Val544Ile; replaces valine 544 with isoleucine.
Molecular consequence: missense variant.
Genome position (GRCh38, 1-based): chrX:123,417,531, G>A. VCF-style: chrX-123417531-G-A. GRCh37 (hg19) VCF-style: chrX-122551382-G-A.
Other names: c.1630G>A, p.Val544Ile (NM_000828.5); short protein forms V544I.
Identifiers: ClinVar variation 3905582 (VCV003905582.10).